The following is an entry in ClinVar:

NC_000012.12:g.121626928T>C

Genes: ORAI1 (ORAI calcium release-activated calcium modulator 1; plus strand), LOC130008987 (ATAC-STARR-seq lymphoblastoid silent region 4981; plus strand). Cytogenetic location: 12q24.31.
Variant type: single nucleotide variant.
Genome position: GRCh38 VCF-style: chr12-121626928-T-C. GRCh37 (hg19) VCF-style: chr12-122064834-T-C.
Other names: c.181T>C, p.Ser61Pro (NM_032790.4); short protein forms S61P.
Identifiers: ClinVar variation 444310 (VCV000444310.47), dbSNP rs201617764, ClinGen allele CA244608492.

ClinVar aggregate classification (germline): Uncertain significance. Review status: criteria provided, multiple submitters, no conflicts (2 of 4 stars). 2 submissions from 2 submitters: Uncertain significance (2). Last evaluated 2025-09-14.

Conditions:
Myopathy, tubular aggregate, 2 (TAM2). Identifiers: MedGen C4014557, MONDO:0014383, OMIM 615883.
Combined immunodeficiency due to ORAI1 deficiency. Also called: IMMUNODEFICIENCY 9. Identifiers: Orphanet 169090, Orphanet 317428, MedGen C2748568, MONDO:0013007, OMIM 612782.

Allele frequency attached by ClinVar (database versions not stated): gnomAD exomes 0.00001 and 0.00002; TOPMed 0.00001; ExAC 0.00002; gnomAD 0.00002.

Submissions (2):

Labcorp Genetics (formerly Invitae), Labcorp
Classification: Uncertain significance for Myopathy, tubular aggregate, 2; Combined immunodeficiency due to ORAI1 deficiency. Last evaluated: 2025-09-14. Review status: criteria provided, single submitter. Criteria: Invitae Variant Classification Sherloc (09022015). Collection method: clinical testing. Allele origin: germline.
Comment: This sequence change replaces serine, which is neutral and polar, with proline, which is neutral and non-polar, at codon 61 of the ORAI1 protein (p.Ser61Pro). This variant is present in population databases (rs201617764, gnomAD 0.004%). This variant has not been reported in the literature in individuals affected with ORAI1-related conditions. ClinVar contains an entry for this variant (Variation ID: 444310). Experimental studies and prediction algorithms are not available or were not evaluated, and the functional significance of this variant is currently unknown. In summary, the available evidence is currently insufficient to determine the role of this variant in disease. Therefore, it has been classified as a Variant of Uncertain Significance.

CeGaT Center for Human Genetics Tuebingen
Classification: Uncertain significance. Last evaluated: 2017-02-01. Review status: criteria provided, single submitter. Criteria: CeGaT Center For Human Genetics Tuebingen Variant Classification Criteria Version 2. Collection method: clinical testing. Allele origin: germline. Affected: yes. Observed: 1 variant allele.